The following is an entry in ClinVar:

ClinVar aggregate classification (germline): Uncertain significance (1 of 4 stars; one submission).

Conditions:
Cardiomyopathy (CMYO). Also called: Cardiomyopathies. Identifiers: Orphanet 167848, MedGen C0878544, MONDO:0004994, HP:0001638. Inheritance: Various modes of inheritance.

Submission:

Color Diagnostics, LLC DBA Color Health
Classification: Uncertain significance for Cardiomyopathy. Last evaluated: 2023-07-06. Review status: criteria provided, single submitter. Criteria: ACMG Guidelines, 2015. Collection method: clinical testing. Allele origin: germline.
Comment: This missense variant replaces histidine with glutamine at codon 511 of the MYBPC3 protein. Computational prediction suggests that this variant may not impact protein structure and function (internally defined REVEL score threshold <= 0.5, PMID: 27666373). To our knowledge, functional studies have not been reported for this variant. This variant has not been reported in individuals affected with MYBPC3-related disorders in the literature. This variant has not been identified in the general population by the Genome Aggregation Database (gnomAD). The available evidence is insufficient to determine the role of this variant in disease conclusively. Therefore, this variant is classified as a Variant of Uncertain Significance.

NM_000256.3(MYBPC3):c.1533C>G (p.His511Gln)

Gene: MYBPC3 (myosin binding protein C3; minus strand). Cytogenetic location: 11p11.2.
Variant type: single nucleotide variant.
Coding change: c.1533C>G on transcript NM_000256.3 (MANE Select); coding-DNA position 1533, C replaced by G.
Protein change: p.His511Gln; replaces histidine 511 with glutamine.
Molecular consequence: missense variant.
Genome position (GRCh38, 1-based): chr11:47,342,669, G>C on the plus strand (C>G on the coding strand, the complement: MYBPC3 is on the minus strand). VCF-style: chr11-47342669-G-C. GRCh37 (hg19) VCF-style: chr11-47364220-G-C.
Other names: short protein forms H511Q.
Identifiers: ClinVar variation 2773739 (VCV002773739.2), dbSNP rs2095889968, ClinGen allele CA380325157.
Genomic context (GRCh38, chr11:47,342,669, plus strand): 5'-CCCGCTAGTGCACAGTGCATAGTGCCCCGCGTCCTCCAGCATGGCCTCGTTGATGATCAG[G>C]TGGTGTCTCTGCCCGTCCTTCTTGAACCGGTATTTGAAGGTCTCCTCCCGGGTCAGCTCC-3'
Protein context (NP_000247.2, residues 501-521): YRFKKDGQRH[His511Gln]LIINEAMLED